The following is an entry in ClinVar:

NM_006231.4(POLE):c.6554G>C (p.Trp2185Ser)

Gene: POLE (DNA polymerase epsilon, catalytic subunit; minus strand). Cytogenetic location: 12q24.33.
Variant type: single nucleotide variant.
Coding change: c.6554G>C on transcript NM_006231.4 (MANE Select); coding-DNA position 6554, G replaced by C.
Protein change: p.Trp2185Ser; replaces tryptophan 2185 with serine.
Molecular consequence: missense variant.
Genome position (GRCh38, 1-based): chr12:132,625,748, C>G on the plus strand (G>C on the coding strand, the complement: POLE is on the minus strand). VCF-style: chr12-132625748-C-G. GRCh37 (hg19) VCF-style: chr12-133202334-C-G.
Other names: short protein forms W2185S.
Identifiers: ClinVar variation 2447931 (VCV002447931.2), dbSNP rs2541837819, ClinGen allele CA387366878.

ClinVar aggregate classification (germline): Uncertain significance (1 of 4 stars; one submission).

Conditions:
Hereditary cancer-predisposing syndrome. Also called: Neoplastic Syndromes, Hereditary; Hereditary Cancer Syndrome; Tumor predisposition; Hereditary neoplastic syndrome. Identifiers: Orphanet 140162, MedGen C0027672, MeSH D009386, MONDO:0015356.

Submission:

Ambry Genetics
Classification: Uncertain significance for Hereditary cancer-predisposing syndrome. Last evaluated: 2022-12-25. Review status: criteria provided, single submitter. Criteria: Ambry Variant Classification Scheme 2023. Collection method: clinical testing. Allele origin: germline.
Comment: The p.W2185S variant (also known as c.6554G>C), located in coding exon 47 of the POLE gene, results from a G to C substitution at nucleotide position 6554. The tryptophan at codon 2185 is replaced by serine, an amino acid with highly dissimilar properties. This amino acid position is conserved. In addition, this alteration is predicted to be deleterious by in silico analysis. Since supporting evidence is limited at this time, the clinical significance of this alteration remains unclear.